The following is an entry in ClinVar:

ClinVar aggregate classification (germline): Uncertain significance (1 of 4 stars; one submission).

Submission:

Labcorp Genetics (formerly Invitae), Labcorp
Classification: Uncertain significance. Last evaluated: 2024-03-01. Review status: criteria provided, single submitter. Criteria: Invitae Variant Classification Sherloc (09022015). Collection method: clinical testing. Allele origin: germline.
Comment: This sequence change replaces methionine, which is neutral and non-polar, with isoleucine, which is neutral and non-polar, at codon 541 of the C1S protein (p.Met541Ile). This variant is present in population databases (rs782328294, gnomAD 0.002%). This variant has not been reported in the literature in individuals affected with C1S-related conditions. Advanced modeling of protein sequence and biophysical properties (such as structural, functional, and spatial information, amino acid conservation, physicochemical variation, residue mobility, and thermodynamic stability) performed at Invitae indicates that this missense variant is not expected to disrupt C1S protein function with a negative predictive value of 80%. In summary, the available evidence is currently insufficient to determine the role of this variant in disease. Therefore, it has been classified as a Variant of Uncertain Significance.

NM_001734.5(C1S):c.1623G>T (p.Met541Ile)

Gene: C1S (complement C1s; plus strand). Cytogenetic location: 12p13.31.
Variant type: single nucleotide variant.
Coding change: c.1623G>T on transcript NM_001734.5 (MANE Select); coding-DNA position 1623, G replaced by T.
Protein change: p.Met541Ile; replaces methionine 541 with isoleucine.
Molecular consequence: missense variant.
Genome position (GRCh38, 1-based): chr12:7,070,207, G>T. VCF-style: chr12-7070207-G-T. GRCh37 (hg19) VCF-style: chr12-7177511-G-T.
Other names: c.1122G>T, p.Met374Ile (NM_001346850.2); c.1623G>T, p.Met541Ile (NM_201442.4); short protein forms M541I, M374I.
Identifiers: ClinVar variation 3643812 (VCV003643812.2).